The following is an entry in ClinVar:

ClinVar aggregate classification (germline): Conflicting classifications of pathogenicity. Review status: criteria provided, conflicting classifications (1 of 4 stars). 3 submissions from 3 submitters: Uncertain significance (1); Likely benign (2). Last evaluated 2025-06-19.

Conditions:
Inborn genetic diseases. Identifiers: MedGen C0950123, MeSH D030342.
Chédiak-Higashi syndrome (CHS). Also called: Chediak-Higashi Syndrome. Identifiers: Orphanet 167, MedGen C0007965, MONDO:0008963, OMIM 214500.

Allele frequency attached by ClinVar (database versions not stated): gnomAD exomes 0.00001.
gnomAD v4.1: 12 of 1,614,064 alleles (0.00074%); highest among the groups gnomAD compares: Non-Finnish European, 0.00093%; no homozygotes.

Submissions (3):

Ambry Genetics
Classification: Likely benign for Inborn genetic diseases. Last evaluated: 2025-06-19. Review status: criteria provided, single submitter. Criteria: Ambry Variant Classification Scheme 2023. Collection method: clinical testing. Allele origin: germline.

Blueprint Genetics
Classification: Likely benign. Last evaluated: 2024-03-05. Review status: criteria provided, single submitter. Criteria: ACMG Guidelines, 2015. Collection method: clinical testing. Allele origin: germline.

Labcorp Genetics (formerly Invitae), Labcorp
Classification: Uncertain significance for Chédiak-Higashi syndrome. Last evaluated: 2022-02-18. Review status: criteria provided, single submitter. Criteria: Invitae Variant Classification Sherloc (09022015). Collection method: clinical testing. Allele origin: germline.
Comment: This sequence change replaces leucine, which is neutral and non-polar, with proline, which is neutral and non-polar, at codon 663 of the LYST protein (p.Leu663Pro). This variant is present in population databases (no rsID available, gnomAD 0.002%). This variant has not been reported in the literature in individuals affected with LYST-related conditions. Algorithms developed to predict the effect of missense changes on protein structure and function output the following: SIFT: "Tolerated"; PolyPhen-2: "Benign"; Align-GVGD: "Class C0". The proline amino acid residue is found in multiple mammalian species, which suggests that this missense change does not adversely affect protein function. In summary, the available evidence is currently insufficient to determine the role of this variant in disease. Therefore, it has been classified as a Variant of Uncertain Significance.

NM_000081.4(LYST):c.1988T>C (p.Leu663Pro)

Gene: LYST (lysosomal trafficking regulator; minus strand). Cytogenetic location: 1q42.3.
Variant type: single nucleotide variant.
Coding change: c.1988T>C on transcript NM_000081.4 (MANE Select); coding-DNA position 1988, T replaced by C.
Protein change: p.Leu663Pro; replaces leucine 663 with proline.
Molecular consequence: missense variant.
Genome position (GRCh38, 1-based): chr1:235,808,830, A>G on the plus strand (T>C on the coding strand, the complement: LYST is on the minus strand). VCF-style: chr1-235808830-A-G. GRCh37 (hg19) VCF-style: chr1-235972130-A-G.
Other names: c.1988T>C (NM_000081.2); c.1988T>C, p.Leu663Pro (NM_001301365.1); short protein forms L663P.
Identifiers: ClinVar variation 2082609 (VCV002082609.3), dbSNP rs1349597556, ClinGen allele CA344961202.